The following is an entry in ClinVar:

NM_001110556.2(FLNA):c.4749G>C (p.Gln1583His)

Gene: FLNA (filamin A; minus strand). Cytogenetic location: Xq28.
Variant type: single nucleotide variant.
Coding change: c.4749G>C on transcript NM_001110556.2 (MANE Select); coding-DNA position 4749, G replaced by C.
Protein change: p.Gln1583His; replaces glutamine 1583 with histidine.
Molecular consequence: missense variant.
Genome position (GRCh38, 1-based): chrX:154,358,205, C>G on the plus strand (G>C on the coding strand, the complement: FLNA is on the minus strand). VCF-style: chrX-154358205-C-G. GRCh37 (hg19) VCF-style: chrX-153586573-C-G.
Other names: c.4749G>C, p.Gln1583His (NM_001456.4); short protein forms Q1583H.
Identifiers: ClinVar variation 2449579 (VCV002449579.2), dbSNP rs2148110298, ClinGen allele CA415214516.

ClinVar aggregate classification (germline): Uncertain significance (1 of 4 stars; one submission).

Conditions:
Familial thoracic aortic aneurysm and aortic dissection (TAAD). Also called: Thoracic aortic aneurysms and dissections. Identifiers: Orphanet 91387, MedGen C4707243, MONDO:0019625.

Submission:

Ambry Genetics
Classification: Uncertain significance for Familial thoracic aortic aneurysm and aortic dissection. Last evaluated: 2023-02-22. Review status: criteria provided, single submitter. Criteria: Ambry Variant Classification Scheme 2023. Collection method: clinical testing. Allele origin: germline.
Comment: The p.Q1583H variant (also known as c.4749G>C), located in coding exon 27 of the FLNA gene, results from a G to C substitution at nucleotide position 4749. The glutamine at codon 1583 is replaced by histidine, an amino acid with highly similar properties. This amino acid position is well conserved in available vertebrate species. In addition, this alteration is predicted to be deleterious by in silico analysis. Since supporting evidence is limited at this time, the clinical significance of this alteration remains unclear.